The following is an entry in ClinVar:

ClinVar aggregate classification (germline): Uncertain significance (1 of 4 stars; one submission).

Conditions:
CHARGE syndrome (CHARGE). Also called: Hittner Hirsch Kreh syndrome; CHARGE ASSOCIATION--COLOBOMA, HEART ANOMALY, CHOANAL ATRESIA, RETARDATION, GENITAL AND EAR ANOMALIES; Coloboma, heart anomaly, choanal atresia, retardation, genital and ear anomalies; CHARGE association; Hall-Hittner syndrome. Identifiers: Orphanet 138, MedGen C0265354, MONDO:0008965.

Submission:

Labcorp Genetics (formerly Invitae), Labcorp
Classification: Uncertain significance for CHARGE syndrome. Last evaluated: 2024-12-24. Review status: criteria provided, single submitter. Criteria: Invitae Variant Classification Sherloc (09022015). Collection method: clinical testing. Allele origin: germline.
Comment: This sequence change replaces glycine, which is neutral and non-polar, with arginine, which is basic and polar, at codon 2834 of the CHD7 protein (p.Gly2834Arg). This variant is not present in population databases (gnomAD no frequency). This variant has not been reported in the literature in individuals affected with CHD7-related conditions. Invitae Evidence Modeling of protein sequence and biophysical properties (such as structural, functional, and spatial information, amino acid conservation, physicochemical variation, residue mobility, and thermodynamic stability) indicates that this missense variant is not expected to disrupt CHD7 protein function with a negative predictive value of 95%. In summary, the available evidence is currently insufficient to determine the role of this variant in disease. Therefore, it has been classified as a Variant of Uncertain Significance.

NM_017780.4(CHD7):c.8500G>A (p.Gly2834Arg)

Gene: CHD7 (chromodomain helicase DNA binding protein 7; plus strand). Cytogenetic location: 8q12.2.
Variant type: single nucleotide variant.
Coding change: c.8500G>A on transcript NM_017780.4 (MANE Select); coding-DNA position 8500, G replaced by A.
Protein change: p.Gly2834Arg; replaces glycine 2834 with arginine.
Molecular consequence: missense variant.
Genome position (GRCh38, 1-based): chr8:60,865,439, G>A. VCF-style: chr8-60865439-G-A. GRCh37 (hg19) VCF-style: chr8-61777998-G-A.
Other names: c.2353G>A, p.Gly785Arg (NM_001316690.1); short protein forms G2834R, G785R.
Identifiers: ClinVar variation 3688365 (VCV003688365.2).